The following is an entry in ClinVar:

ClinVar aggregate classification (germline): Uncertain significance (1 of 4 stars; one submission).

Conditions:
Familial sleep-related hypermotor epilepsy. Also called: Autosomal Dominant Sleep-Related Hypermotor (Hyperkinetic) Epilepsy. Identifiers: Orphanet 98784, MedGen C3696898, MONDO:0000030.

Submission:

Labcorp Genetics (formerly Invitae), Labcorp
Classification: Uncertain significance. Last evaluated: 2019-09-09. Review status: criteria provided, single submitter. Criteria: Invitae Variant Classification Sherloc (09022015). Collection method: clinical testing. Allele origin: germline.
Comment: In summary, the available evidence is currently insufficient to determine the role of this variant in disease. Therefore, it has been classified as a Variant of Uncertain Significance. Algorithms developed to predict the effect of missense changes on protein structure and function (SIFT, PolyPhen-2, Align-GVGD) all suggest that this variant is likely to be tolerated, but these predictions have not been confirmed by published functional studies and their clinical significance is uncertain. This variant has not been reported in the literature in individuals with CHRNA4-related conditions. This variant is not present in population databases (ExAC no frequency). This sequence change replaces proline with threonine at codon 411 of the CHRNA4 protein (p.Pro411Thr). The proline residue is weakly conserved and there is a small physicochemical difference between proline and threonine.

NM_000744.7(CHRNA4):c.1231C>A (p.Pro411Thr)

Gene: CHRNA4 (cholinergic receptor nicotinic alpha 4 subunit; minus strand). Cytogenetic location: 20q13.33.
Variant type: single nucleotide variant.
Coding change: c.1231C>A on transcript NM_000744.7 (MANE Select); coding-DNA position 1231, C replaced by A.
Protein change: p.Pro411Thr; replaces proline 411 with threonine.
Molecular consequence: missense variant. On other transcripts: non-coding transcript variant (1).
Genome position (GRCh38, 1-based): chr20:63,350,180, G>T on the plus strand (C>A on the coding strand, the complement: CHRNA4 is on the minus strand). VCF-style: chr20-63350180-G-T. GRCh37 (hg19) VCF-style: chr20-61981532-G-T.
Other names: c.703C>A, p.Pro235Thr (NM_001256573.2); short protein forms P411T, P235T.
Identifiers: ClinVar variation 937063 (VCV000937063.9), dbSNP rs2068565794, ClinGen allele CA409634046.